The following is an entry in ClinVar:

ClinVar aggregate classification (germline): Uncertain significance. Review status: criteria provided, single submitter (1 of 4 stars). 2 submissions from 2 submitters: Uncertain significance (1). 1 of the submissions does not count toward it. Last evaluated 2022-06-10.

Conditions:
Combined oxidative phosphorylation deficiency 33 (COXPD33). Identifiers: MedGen C4540209, MONDO:0054677, OMIM 617713.

Allele frequency attached by ClinVar (database versions not stated): gnomAD exomes below 0.00001 and 0.00002; ExAC 0.00001; gnomAD 0.00002; TOPMed 0.00003.
gnomAD v4.1: 28 of 1,614,084 alleles (0.0017%); highest among the groups gnomAD compares: African/African-American, 0.0027%; no homozygotes.

Submissions (2):

Labcorp Genetics (formerly Invitae), Labcorp
Classification: Uncertain significance. Last evaluated: 2022-06-10. Review status: criteria provided, single submitter. Criteria: Invitae Variant Classification Sherloc (09022015). Collection method: clinical testing. Allele origin: germline.
Comment: This sequence change replaces cysteine, which is neutral and slightly polar, with serine, which is neutral and polar, at codon 186 of the C1QBP protein (p.Cys186Ser). This variant is present in population databases (rs748497469, gnomAD 0.004%). This missense change has been observed in individual(s) with C1QBP-related conditions (PMID: 28942965). ClinVar contains an entry for this variant (Variation ID: 441241). Algorithms developed to predict the effect of missense changes on protein structure and function are either unavailable or do not agree on the potential impact of this missense change (SIFT: "Deleterious"; PolyPhen-2: "Probably Damaging"; Align-GVGD: "Class C0"). In summary, the available evidence is currently insufficient to determine the role of this variant in disease. Therefore, it has been classified as a Variant of Uncertain Significance.

OMIM
Classification: Pathogenic for COMBINED OXIDATIVE PHOSPHORYLATION DEFICIENCY 33. Last evaluated: 2018-08-16. Review status: no assertion criteria provided. Collection method: literature only. Allele origin: germline. Not counted in ClinVar's aggregate classification.

Literature cited by the submitters: PubMed 28942965 (cited by Labcorp Genetics (formerly Invitae), Labcorp and OMIM).

NM_001212.4(C1QBP):c.557G>C (p.Cys186Ser)

Gene: C1QBP (complement C1q binding protein; minus strand). Cytogenetic location: 17p13.2.
Variant type: single nucleotide variant.
Coding change: c.557G>C on transcript NM_001212.4 (MANE Select); coding-DNA position 557, G replaced by C.
Protein change: p.Cys186Ser; replaces cysteine 186 with serine.
Molecular consequence: missense variant.
Genome position (GRCh38, 1-based): chr17:5,433,688, C>G on the plus strand (G>C on the coding strand, the complement: C1QBP is on the minus strand). VCF-style: chr17-5433688-C-G. GRCh37 (hg19) VCF-style: chr17-5337008-C-G.
Other names: C1QBP, CYS186SER; short protein forms C186S.
Identifiers: ClinVar variation 441241 (VCV000441241.4), dbSNP rs748497469, ClinGen allele CA8325252.